The following is an entry in ClinVar:

ClinVar aggregate classification (germline): Uncertain significance (1 of 4 stars; one submission).

Allele frequency attached by ClinVar (database versions not stated): gnomAD exomes below 0.00001.
gnomAD v4.1: 2 of 1,609,706 alleles (0.00012%); highest among the groups gnomAD compares: Non-Finnish European, 0.00017%; no homozygotes.

Submission:

Labcorp Genetics (formerly Invitae), Labcorp
Classification: Uncertain significance. Last evaluated: 2025-12-01. Review status: criteria provided, single submitter. Criteria: Invitae Variant Classification Sherloc (09022015). Collection method: clinical testing. Allele origin: germline.
Comment: This sequence change replaces glutamic acid, which is acidic and polar, with lysine, which is basic and polar, at codon 1437 of the MYO3A protein (p.Glu1437Lys). This variant is not present in population databases (gnomAD no frequency). This variant has not been reported in the literature in individuals affected with MYO3A-related conditions. ClinVar contains an entry for this variant (Variation ID: 1963115). An algorithm developed to predict the effect of missense changes on protein structure and function (PolyPhen-2) suggests that this variant is likely to be disruptive. Algorithms developed to predict the effect of sequence changes on RNA splicing suggest that this variant may disrupt the consensus splice site. In summary, the available evidence is currently insufficient to determine the role of this variant in disease. Therefore, it has been classified as a Variant of Uncertain Significance.

NM_017433.5(MYO3A):c.4309G>A (p.Glu1437Lys)

Gene: MYO3A (myosin IIIA; plus strand). Cytogenetic location: 10p12.1.
Variant type: single nucleotide variant.
Coding change: c.4309G>A on transcript NM_017433.5 (MANE Select); coding-DNA position 4309, G replaced by A.
Protein change: p.Glu1437Lys; replaces glutamic acid 1437 with lysine.
Molecular consequence: missense variant.
Genome position (GRCh38, 1-based): chr10:26,176,716, G>A. VCF-style: chr10-26176716-G-A. GRCh37 (hg19) VCF-style: chr10-26465645-G-A.
Other names: short protein forms E1437K.
Identifiers: ClinVar variation 1963115 (VCV001963115.5), dbSNP rs1031886099, ClinGen allele CA204393913.
Genomic context (GRCh38, chr10:26,176,716, plus strand): 5'-GTATTCTTTTCCTTGATTTAACCTGACACATGACCTTCTTTTTAGATATCAAAGTTATCT[G>A]AAGAATATTTCATTCTGCAGAAAAAATTGAATGAAATGATTTTGTCACAGCAACTGAAGT-3'
Protein context (NP_059129.3, residues 1427-1447): IFSKQISKLS[Glu1437Lys]EYFILQKKLN